The following is an entry in ClinVar:

NM_001099922.3(ALG13):c.1346A>T (p.Lys449Met)

Gene: ALG13 (ALG13 UDP-N-acetylglucosaminyltransferase subunit; plus strand). Cytogenetic location: Xq23.
Variant type: single nucleotide variant.
Coding change: c.1346A>T on transcript NM_001099922.3 (MANE Select); coding-DNA position 1346, A replaced by T.
Protein change: p.Lys449Met; replaces lysine 449 with methionine.
Molecular consequence: missense variant. On other transcripts: intron variant (1).
Genome position (GRCh38, 1-based): chrX:111,721,622, A>T. VCF-style: chrX-111721622-A-T. GRCh37 (hg19) VCF-style: chrX-110964850-A-T.
Other names: c.1034A>T, p.Lys345Met (NM_001257230.2, NM_001257234.2, NM_001257237.2); c.1112A>T, p.Lys371Met (NM_001257231.2); c.1346A>T, p.Lys449Met (NM_001324292.2); c.1014+1452A>T (NM_001324293.1); short protein forms K345M, K371M, K449M.
Identifiers: ClinVar variation 4882270 (VCV004882270.2).

ClinVar aggregate classification (germline): Uncertain significance (1 of 4 stars; one submission).

Conditions:
Developmental and epileptic encephalopathy, 36 (DEE36). Also called: Epileptic encephalopathy, early infantile, 36; Congenital disorder of glycosylation, type Is; ALG13-CDG. Identifiers: Orphanet 324422, MedGen C4317295, MONDO:0010472, OMIM 300884.

Submission:

Dasa
Classification: Uncertain significance for Developmental and epileptic encephalopathy, 36. Last evaluated: 2025-03-17. Review status: criteria provided, single submitter. Criteria: DASA Assertion Criteria. Collection method: clinical testing. Allele origin: germline.
Comment: NM_001099922.3(ALG13):c.1346A>T (p.Lys449Met) is a missense variant that results in the substitution of lysine with methionine. This variant is absent from population databases. Computational prediction algorithms are consistent with a benign effect. The currently available literature and clinical evidence are not sufficient to establish a definitive association between this variant and the reported condition. Therefore, this variant is classified as a variant of uncertain significance.